The following is an entry in ClinVar:

ClinVar aggregate classification (germline): Uncertain significance (1 of 4 stars; one submission).

Conditions:
Inborn genetic diseases. Identifiers: MedGen C0950123, MeSH D030342.

Submission:

Ambry Genetics
Classification: Uncertain significance for Inborn genetic diseases. Last evaluated: 2025-01-05. Review status: criteria provided, single submitter. Criteria: Ambry Variant Classification Scheme 2023. Collection method: clinical testing. Allele origin: germline.
Comment: The p.P87Q variant (also known as c.260C>A), located in coding exon 1 of the SAMD9L gene, results from a C to A substitution at nucleotide position 260. The proline at codon 87 is replaced by glutamine, an amino acid with similar properties. This amino acid position is conserved. In addition, this alteration is predicted to be tolerated by in silico analysis. Based on the available evidence, the clinical significance of this variant remains unclear.

NM_152703.5(SAMD9L):c.260C>A (p.Pro87Gln)

Gene: SAMD9L (sterile alpha motif domain containing 9 like; minus strand). Cytogenetic location: 7q21.2.
Variant type: single nucleotide variant.
Coding change: c.260C>A on transcript NM_152703.5 (MANE Select); coding-DNA position 260, C replaced by A.
Protein change: p.Pro87Gln; replaces proline 87 with glutamine.
Molecular consequence: missense variant.
Genome position (GRCh38, 1-based): chr7:93,135,712, G>T on the plus strand (C>A on the coding strand, the complement: SAMD9L is on the minus strand). VCF-style: chr7-93135712-G-T. GRCh37 (hg19) VCF-style: chr7-92765025-G-T.
Other names: c.260C>A, p.Pro87Gln (NM_001303496.3, NM_001303497.3, NM_001303498.3 and 5 more transcripts); short protein forms P87Q.
Identifiers: ClinVar variation 3792276 (VCV003792276.1).